The following is an entry in ClinVar:

NM_000384.3(APOB):c.3876C>G (p.Asn1292Lys)

Gene: APOB (apolipoprotein B; minus strand). Cytogenetic location: 2p24.1.
Variant type: single nucleotide variant.
Coding change: c.3876C>G on transcript NM_000384.3 (MANE Select); coding-DNA position 3876, C replaced by G.
Protein change: p.Asn1292Lys; replaces asparagine 1292 with lysine.
Molecular consequence: missense variant.
Genome position (GRCh38, 1-based): chr2:21,013,500, G>C on the plus strand (C>G on the coding strand, the complement: APOB is on the minus strand). VCF-style: chr2-21013500-G-C. GRCh37 (hg19) VCF-style: chr2-21236372-G-C.
Other names: short protein forms N1292K.
Identifiers: ClinVar variation 4979747 (VCV004979747.1).

ClinVar aggregate classification (germline): Uncertain significance (1 of 4 stars; one submission).

Conditions:
APOB-related disorder. Also called: APOB-related condition; APOB-related disorders.

Submission:

PreventionGenetics, part of Exact Sciences
Classification: Uncertain significance for APOB-related condition. Last evaluated: 2025-08-13. Review status: criteria provided, single submitter. Criteria: ACMG Guidelines, 2015. Collection method: clinical testing. Allele origin: germline.
Comment: The APOB c.3876C>G variant is predicted to result in the amino acid substitution p.Asn1292Lys. To our knowledge, this variant has not been reported in the literature. This variant is reported in 0.0029% of alleles in individuals of Latino descent in gnomAD. At this time, the clinical significance of this variant is uncertain due to the absence of conclusive functional and genetic evidence.